The following is an entry in ClinVar:

ClinVar aggregate classification (germline): Uncertain significance (1 of 4 stars; one submission).

Conditions:
Renal cell carcinoma. Identifiers: Orphanet 217071, MedGen C0007134, MeSH D002292, MONDO:0005086, HP:0005584.

Submission:

Labcorp Genetics (formerly Invitae), Labcorp
Classification: Uncertain significance for Renal cell carcinoma. Last evaluated: 2025-03-25. Review status: criteria provided, single submitter. Criteria: Invitae Variant Classification Sherloc (09022015). Collection method: clinical testing. Allele origin: germline.
Comment: This sequence change replaces cysteine, which is neutral and slightly polar, with tyrosine, which is neutral and polar, at codon 541 of the MET protein (p.Cys541Tyr). This variant is not present in population databases (gnomAD no frequency). This variant has not been reported in the literature in individuals affected with MET-related conditions. Invitae Evidence Modeling of protein sequence and biophysical properties (such as structural, functional, and spatial information, amino acid conservation, physicochemical variation, residue mobility, and thermodynamic stability) indicates that this missense variant is expected to disrupt MET protein function with a positive predictive value of 80%. In summary, the available evidence is currently insufficient to determine the role of this variant in disease. Therefore, it has been classified as a Variant of Uncertain Significance.

NM_000245.4(MET):c.1622G>A (p.Cys541Tyr)

Gene: MET (MET proto-oncogene, receptor tyrosine kinase; plus strand). Cytogenetic location: 7q31.2.
Variant type: single nucleotide variant.
Coding change: c.1622G>A on transcript NM_000245.4 (MANE Select); coding-DNA position 1622, G replaced by A.
Protein change: p.Cys541Tyr; replaces cysteine 541 with tyrosine.
Molecular consequence: missense variant.
Genome position (GRCh38, 1-based): chr7:116,740,946, G>A. VCF-style: chr7-116740946-G-A. GRCh37 (hg19) VCF-style: chr7-116381000-G-A.
Other names: c.1622G>A, p.Cys541Tyr (NM_001127500.3, NM_001324401.3); c.332G>A, p.Cys111Tyr (NM_001324402.2); short protein forms C111Y, C541Y.
Identifiers: ClinVar variation 4746033 (VCV004746033.1).